The following is an entry in ClinVar:

ClinVar aggregate classification (germline): Uncertain significance. Review status: criteria provided, multiple submitters, no conflicts (2 of 4 stars). 2 submissions from 2 submitters: Uncertain significance (2). Last evaluated 2024-10-30.

Conditions:
Hereditary cancer-predisposing syndrome. Also called: Neoplastic Syndromes, Hereditary; Hereditary neoplastic syndrome; Tumor predisposition; Hereditary Cancer Syndrome. Identifiers: Orphanet 140162, MedGen C0027672, MeSH D009386, MONDO:0015356.
Tuberous sclerosis 2 (TSC2). Identifiers: Orphanet 805, MedGen C1860707, MONDO:0013199, OMIM 613254.

Allele frequency attached by ClinVar (database versions not stated): gnomAD exomes below 0.00001.
gnomAD v4.1: 3 of 1,598,532 alleles (0.00019%); highest among the groups gnomAD compares: Non-Finnish European, 0.00025%; no homozygotes.

Submissions (2):

Ambry Genetics
Classification: Uncertain significance for Hereditary cancer-predisposing syndrome. Last evaluated: 2024-10-30. Review status: criteria provided, single submitter. Criteria: Ambry Variant Classification Scheme 2023. Collection method: clinical testing. Allele origin: germline.
Comment: The p.K1491R variant (also known as c.4472A>G), located in coding exon 33 of the TSC2 gene, results from an A to G substitution at nucleotide position 4472. The lysine at codon 1491 is replaced by arginine, an amino acid with highly similar properties. This amino acid position is conserved. In addition, this alteration is predicted to be deleterious by in silico analysis. Based on the available evidence, the clinical significance of this variant remains unclear.

Labcorp Genetics (formerly Invitae), Labcorp
Classification: Uncertain significance for Tuberous sclerosis 2. Last evaluated: 2023-12-15. Review status: criteria provided, single submitter. Criteria: Invitae Variant Classification Sherloc (09022015). Collection method: clinical testing. Allele origin: germline.
Comment: This sequence change replaces lysine, which is basic and polar, with arginine, which is basic and polar, at codon 1491 of the TSC2 protein (p.Lys1491Arg). This variant is not present in population databases (gnomAD no frequency). This variant has not been reported in the literature in individuals affected with TSC2-related conditions. ClinVar contains an entry for this variant (Variation ID: 839013). Advanced modeling of protein sequence and biophysical properties (such as structural, functional, and spatial information, amino acid conservation, physicochemical variation, residue mobility, and thermodynamic stability) performed at Invitae indicates that this missense variant is not expected to disrupt TSC2 protein function with a negative predictive value of 95%. In summary, the available evidence is currently insufficient to determine the role of this variant in disease. Therefore, it has been classified as a Variant of Uncertain Significance.

NM_000548.5(TSC2):c.4472A>G (p.Lys1491Arg)

Gene: TSC2 (TSC complex subunit 2; plus strand). Cytogenetic location: 16p13.3.
Variant type: single nucleotide variant.
Coding change: c.4472A>G on transcript NM_000548.5 (MANE Select); coding-DNA position 4472, A replaced by G.
Protein change: p.Lys1491Arg; replaces lysine 1491 with arginine.
Molecular consequence: missense variant.
Genome position (GRCh38, 1-based): chr16:2,084,694, A>G. VCF-style: chr16-2084694-A-G. GRCh37 (hg19) VCF-style: chr16-2134695-A-G.
Other names: c.4271A>G, p.Lys1424Arg (NM_001077183.3); c.4403A>G, p.Lys1468Arg (NM_001114382.3); c.4163A>G, p.Lys1388Arg (NM_001318827.2); c.4127A>G, p.Lys1376Arg (NM_001318829.2); c.3740A>G, p.Lys1247Arg (NM_001318831.2); c.4304A>G, p.Lys1435Arg (NM_001318832.2); c.4274A>G, p.Lys1425Arg (NM_001363528.2); c.4340A>G, p.Lys1447Arg (NM_001370404.1); and 1 more; short protein forms K1376R, K1424R, K1448R, K1247R, K1425R, K1468R, K1491R, K1435R.
Identifiers: ClinVar variation 839013 (VCV000839013.10), dbSNP rs2090543060, ClinGen allele CA394302522.